The following is an entry in ClinVar:

NM_003628.6(PKP4):c.1331G>A (p.Arg444His)

Gene: PKP4 (plakophilin 4; plus strand). Cytogenetic location: 2q24.1.
Variant type: single nucleotide variant.
Coding change: c.1331G>A on transcript NM_003628.6 (MANE Select); coding-DNA position 1331, G replaced by A.
Protein change: p.Arg444His; replaces arginine 444 with histidine.
Molecular consequence: missense variant.
Genome position (GRCh38, 1-based): chr2:158,631,930, G>A. VCF-style: chr2-158631930-G-A. GRCh37 (hg19) VCF-style: chr2-159488442-G-A.
Other names: c.1331G>A, p.Arg444His (NM_001005476.4, NM_001304969.3, NM_001304971.2 and 6 more transcripts); c.305G>A, p.Arg102His (NM_001304970.3); c.1325G>A, p.Arg442His (NM_001377222.1, NM_001377223.1, NM_001377224.1); short protein forms R102H, R442H, R444H.
Identifiers: ClinVar variation 1770152 (VCV001770152.2), dbSNP rs1230372752, ClinGen allele CA348908569.

ClinVar aggregate classification (germline): Uncertain significance (1 of 4 stars; one submission).

Allele frequency attached by ClinVar (database versions not stated): gnomAD 0.00002.
gnomAD v4.1: 17 of 1,613,402 alleles (0.0011%); highest among the groups gnomAD compares: East Asian, 0.0045%; no homozygotes.

Submission:

Ambry Genetics
Classification: Uncertain significance. Last evaluated: 2021-08-05. Review status: criteria provided, single submitter. Criteria: Ambry Variant Classification Scheme 2023. Collection method: clinical testing. Allele origin: germline.
Comment: The p.R444H variant (also known as c.1331G>A), located in coding exon 7 of the PKP4 gene, results from a G to A substitution at nucleotide position 1331. The arginine at codon 444 is replaced by histidine, an amino acid with highly similar properties. This amino acid position is conserved. In addition, the in silico prediction for this alteration is inconclusive. Since supporting evidence is limited at this time, the clinical significance of this alteration remains unclear.